The following is an entry in ClinVar:

ClinVar aggregate classification (germline): Uncertain significance. Review status: criteria provided, multiple submitters, no conflicts (2 of 4 stars). 2 submissions from 2 submitters: Uncertain significance (2). Last evaluated 2023-01-24.

Conditions:
Usher syndrome type 1F (USH1F). Also called: USHER SYNDROME, TYPE IF. Identifiers: Orphanet 231169, Orphanet 886, MedGen C1865885, MONDO:0011186, OMIM 602083.

Submissions (2):

Broad Center for Mendelian Genomics, Broad Institute of MIT and Harvard
Classification: Uncertain significance for Usher syndrome type 1F. Last evaluated: 2023-01-24. Review status: criteria provided, single submitter. Criteria: ACMG Guidelines, 2015. Collection method: curation. Allele origin: germline. Inheritance: Autosomal recessive inheritance.
Comment: The p.Pro1442_Pro1443del variant in PCDH15 has been reported in 1 individual individual with Usher syndrome type 1F (PMID: 16283880) and has been identified in 0.006% (1/15942) of African/African American chromosomes by the Genome Aggregation Database (gnomAD; dbSNP ID: rs369289143). Although this variant has been seen in the general population in a heterozygous state, its frequency is low enough to be consistent with a recessive carrier frequency. This variant is a duplication of 2 amino acids at position 1442 and is not predicted to alter the protein reading-frame. It is unclear if this deletion will impact the protein. In summary, the clinical significance of the p.Pro1442_Pro1443del variant is uncertain. ACMG/AMP Criteria applied: PM4_supporting, PM2_supporting (Richards 2015).

Labcorp Genetics (formerly Invitae), Labcorp
Classification: Uncertain significance. Last evaluated: 2022-11-01. Review status: criteria provided, single submitter. Criteria: Invitae Variant Classification Sherloc (09022015). Collection method: clinical testing. Allele origin: germline.
Comment: This variant, c.4323_4328del, results in the deletion of 2 amino acid(s) of the PCDH15 protein (p.Pro1442_Pro1443del), but otherwise preserves the integrity of the reading frame. This variant is present in population databases (rs764861755, gnomAD 0.007%). This variant has been observed in individual(s) with clinical features of PCDH15-related conditions (PMID: 16283880). Experimental studies and prediction algorithms are not available or were not evaluated, and the functional significance of this variant is currently unknown. In summary, the available evidence is currently insufficient to determine the role of this variant in disease. Therefore, it has been classified as a Variant of Uncertain Significance.

Literature cited by the submitters: PubMed 16283880 (cited by Labcorp Genetics (formerly Invitae), Labcorp).

NM_001384140.1(PCDH15):c.4323_4328del (p.Pro1442_Pro1443del)

Gene: PCDH15 (protocadherin related 15; minus strand). Cytogenetic location: 10q21.1.
Variant type: Deletion.
Coding change: c.4323_4328del on transcript NM_001384140.1 (MANE Select); coding-DNA positions 4323 to 4328, 6 bases deleted (TCCGCC; older notation c.4323_4328delTCCGCC).
Protein change: p.Pro1442_Pro1443del.
Molecular consequence: inframe deletion. On other transcripts: inframe indel (1).
Genome position (GRCh38, 1-based): chr10:53,827,432-53,827,437, GGCGGA deleted on the plus strand (TCCGCC on the coding strand, the reverse complement: PCDH15 is on the minus strand); deleting any 6 consecutive bases within chr10:53,827,432-53,827,442 gives the same sequence; the c. name uses the placement nearest the transcript's 3' end. VCF-style (leftmost placement, unchanged base first): chr10-53827431-TGGCGGA-T. GRCh37 (hg19) VCF-style: chr10-55587191-TGGCGGA-T.
Other names: NM_001384140.1:c.4323_4328del; c.4338_4343del, p.Pro1447_Pro1448del (NM_001142763.2, NM_001142771.2); c.4323_4328del, p.Pro1442_Pro1443del (NM_001142764.2, NM_001142770.3, NM_001142772.2 and 3 more transcripts); c.4110_4115del, p.Pro1371_Pro1372del (NM_001142765.2); c.4314_4319del, p.Pro1439_Pro1440del (NM_001142766.2); c.4203_4208del, p.Pro1402_Pro1403del (NM_001142767.2); c.4257_4262del, p.Pro1420_Pro1421del (NM_001142768.2, NM_001354404.2); c.4354_4359delCCGCCT, p.Pro1454_Pro1455del (NM_001142769.4); and 2 more.
Identifiers: ClinVar variation 2136863 (VCV002136863.4), dbSNP rs764861755, ClinGen allele CA5505362.
Genomic context (GRCh38, chr10:53,827,431, plus strand): 5'-AGTTCCTGAACGGTCTACTTACATTGAGCTGTCTCCAAGTTCTTCATAGAGATGCGCACC[TGGCGGA>T]GGCGGCGGCGGCGGCGGGGGCGCTGCCACTGGTGCAGGAGCCGGCACTGCTGGTTTAGCC-3'